The following is an entry in ClinVar:

NM_001008537.3(NEXMIF):c.2114A>G (p.Gln705Arg)

Gene: NEXMIF (neurite extension and migration factor; minus strand). Cytogenetic location: Xq13.3.
Variant type: single nucleotide variant.
Coding change: c.2114A>G on transcript NM_001008537.3 (MANE Select); coding-DNA position 2114, A replaced by G.
Protein change: p.Gln705Arg; replaces glutamine 705 with arginine.
Molecular consequence: missense variant.
Genome position (GRCh38, 1-based): chrX:74,742,443, T>C on the plus strand (A>G on the coding strand, the complement: NEXMIF is on the minus strand). VCF-style: chrX-74742443-T-C. GRCh37 (hg19) VCF-style: chrX-73962278-T-C.
Other names: short protein forms Q705R.
Identifiers: ClinVar variation 2916008 (VCV002916008.3), dbSNP rs911321987, ClinGen allele CA331301763.

ClinVar aggregate classification (germline): Uncertain significance (1 of 4 stars; one submission).

Allele frequency attached by ClinVar (database versions not stated): gnomAD 0.00002; gnomAD exomes below 0.00001; TOPMed 0.00001.
gnomAD v4.1: 3 of 1,209,195 alleles (0.00025%); highest among the groups gnomAD compares: African/African-American, 0.0052%; no homozygotes.

Submission:

Labcorp Genetics (formerly Invitae), Labcorp
Classification: Uncertain significance. Last evaluated: 2023-02-06. Review status: criteria provided, single submitter. Criteria: Invitae Variant Classification Sherloc (09022015). Collection method: clinical testing. Allele origin: germline.
Comment: In summary, the available evidence is currently insufficient to determine the role of this variant in disease. Therefore, it has been classified as a Variant of Uncertain Significance. Algorithms developed to predict the effect of missense changes on protein structure and function are either unavailable or do not agree on the potential impact of this missense change (SIFT: "Tolerated"; PolyPhen-2: "Possibly Damaging"; Align-GVGD: "Class C0"). This variant has not been reported in the literature in individuals affected with NEXMIF-related conditions. The frequency data for this variant in the population databases is considered unreliable, as metrics indicate poor data quality at this position in the gnomAD database. This sequence change replaces glutamine, which is neutral and polar, with arginine, which is basic and polar, at codon 705 of the NEXMIF protein (p.Gln705Arg).